The following is an entry in ClinVar:

ClinVar aggregate classification (germline): Likely benign (1 of 4 stars; one submission).

Submission:

CeGaT Center for Human Genetics Tuebingen
Classification: Likely benign. Last evaluated: 2025-05-01. Review status: criteria provided, single submitter. Criteria: CeGaT Center For Human Genetics Tuebingen Variant Classification Criteria Version 2. Collection method: clinical testing. Allele origin: germline. Affected: yes. Observed: 1 variant allele.
Comment: RASGRP1: PM2:Supporting, BP4, BP7

NM_005739.4(RASGRP1):c.201C>T (p.Asp67=)

Gene: RASGRP1 (RAS guanyl releasing protein 1; minus strand). Cytogenetic location: 15q14.
Variant type: single nucleotide variant.
Coding change: c.201C>T on transcript NM_005739.4 (MANE Select); coding-DNA position 201, C replaced by T.
Protein change: p.Asp67=; no amino-acid change (aspartic acid 67 retained).
Molecular consequence: synonymous variant.
Genome position (GRCh38, 1-based): chr15:38,559,840, G>A on the plus strand (C>T on the coding strand, the complement: RASGRP1 is on the minus strand). VCF-style: chr15-38559840-G-A. GRCh37 (hg19) VCF-style: chr15-38852041-G-A.
Other names: c.201C>T, p.Asp67= (NM_001306086.2, NM_001128602.2).
Identifiers: ClinVar variation 3905937 (VCV003905937.10).